The following is an entry in ClinVar:

ClinVar aggregate classification (germline): Uncertain significance. Review status: criteria provided, single submitter (1 of 4 stars). 2 submissions from 2 submitters: Uncertain significance (1). 1 of the submissions does not count toward it. Last evaluated 2021-08-31.

Conditions:
Usher syndrome type 1F (USH1F). Also called: USHER SYNDROME, TYPE IF. Identifiers: Orphanet 231169, Orphanet 886, MedGen C1865885, MONDO:0011186, OMIM 602083.

Allele frequency attached by ClinVar (database versions not stated): gnomAD exomes below 0.00001; gnomAD 0.00001; 1000 Genomes Project 30x 0.00016; 1000 Genomes Project 0.00020.
gnomAD v4.1: 2 of 1,613,944 alleles (0.00012%); highest among the groups gnomAD compares: South Asian, 0.0022%; no homozygotes.

Submissions (2):

Labcorp Genetics (formerly Invitae), Labcorp
Classification: Uncertain significance. Last evaluated: 2021-08-31. Review status: criteria provided, single submitter. Criteria: Invitae Variant Classification Sherloc (09022015). Collection method: clinical testing. Allele origin: germline.
Comment: This sequence change replaces phenylalanine with leucine at codon 484 of the PCDH15 protein (p.Phe484Leu). The phenylalanine residue is moderately conserved and there is a small physicochemical difference between phenylalanine and leucine. This variant is not present in population databases (ExAC no frequency). This variant has not been reported in the literature in individuals affected with PCDH15-related conditions. Algorithms developed to predict the effect of missense changes on protein structure and function are either unavailable or do not agree on the potential impact of this missense change (SIFT: "Tolerated"; PolyPhen-2: "Possibly Damaging"; Align-GVGD: "Class C0"). In summary, the available evidence is currently insufficient to determine the role of this variant in disease. Therefore, it has been classified as a Variant of Uncertain Significance.

Natera, Inc.
Classification: Uncertain significance for Usher syndrome type 1F. Last evaluated: 2020-06-19. Review status: no assertion criteria provided. Collection method: clinical testing. Allele origin: germline. Not counted in ClinVar's aggregate classification.

NM_001384140.1(PCDH15):c.1450T>C (p.Phe484Leu)

Gene: PCDH15 (protocadherin related 15; minus strand). Cytogenetic location: 10q21.1.
Variant type: single nucleotide variant.
Coding change: c.1450T>C on transcript NM_001384140.1 (MANE Select); coding-DNA position 1450, T replaced by C.
Protein change: p.Phe484Leu; replaces phenylalanine 484 with leucine.
Molecular consequence: missense variant.
Genome position (GRCh38, 1-based): chr10:54,183,584, A>G on the plus strand (T>C on the coding strand, the complement: PCDH15 is on the minus strand). VCF-style: chr10-54183584-A-G. GRCh37 (hg19) VCF-style: chr10-55943344-A-G.
Other names: c.1465T>C, p.Phe489Leu (NM_001142763.2, NM_001142771.2); c.1450T>C, p.Phe484Leu (NM_001142764.2, NM_001142765.2, NM_001142766.2 and 6 more transcripts); c.1339T>C, p.Phe447Leu (NM_001142767.2); c.1384T>C, p.Phe462Leu (NM_001142768.2, NM_001142773.2, NM_001354404.2); c.1486T>C, p.Phe496Leu (NM_001142769.4); c.1471T>C, p.Phe491Leu (NM_001354411.2); short protein forms F462L, F489L, F447L, F484L, F491L, F496L.
Identifiers: ClinVar variation 967889 (VCV000967889.7), dbSNP rs565753445, ClinGen allele CA207234119.